The following is an entry in ClinVar:

NM_020436.5(SALL4):c.712C>T (p.Gln238Ter)

Gene: SALL4 (spalt like transcription factor 4; minus strand). Cytogenetic location: 20q13.2.
Variant type: single nucleotide variant.
Coding change: c.712C>T on transcript NM_020436.5 (MANE Select); coding-DNA position 712, C replaced by T.
Protein change: p.Gln238Ter; replaces glutamine 238 with a stop codon.
Molecular consequence: nonsense.
Genome position (GRCh38, 1-based): chr20:51,791,771, G>A on the plus strand (C>T on the coding strand, the complement: SALL4 is on the minus strand). VCF-style: chr20-51791771-G-A. GRCh37 (hg19) VCF-style: chr20-50408310-G-A.
Other names: c.712C>T, p.Gln238Ter (NM_001318031.2); short protein forms Q238*.
Identifiers: ClinVar variation 1697971 (VCV001697971.3), dbSNP rs2122965458, ClinGen allele CA409016025.

ClinVar aggregate classification (germline): Pathogenic (1 of 4 stars; one submission).

Conditions:
Duane-radial ray syndrome (DRRS). Also called: ACRORENOOCULAR SYNDROME; DR SYNDROME; DUANE ANOMALY WITH RADIAL RAY ABNORMALITIES AND DEAFNESS; Duane-Radial Ray Syndrome (DRRS) / Okihiro Syndrome; Okihiro Syndrome; Duane-Radial Ray Syndrome/Okihiro Syndrome. Identifiers: Orphanet 93293, Orphanet 959, MedGen C1623209, MONDO:0011812, OMIM 607323. Disease mechanism: gain of function.

Submission:

Genetics Laboratory, Department of Biology, Semnan University
Classification: Pathogenic for Duane-radial ray syndrome. Last evaluated: 2021-07-09. Review status: criteria provided, single submitter. Criteria: ACMG Guidelines, 2015. Collection method: case-control. Allele origin: de novo. Inheritance: Autosomal dominant inheritance. Affected: yes. Observed: 1 heterozygote.
Comment: The identified mutation leads to the substitution of glutamine 238 with a stop codon (Q238X) in the SALL4 protein. Hence, this substitution alters the amino acid sequence and leads to a premature stop codon at position 238 with the complete loss of 819 out of 1053 amino acids in the wild type protein sequence. The deleted sequence contains 7 out of 8 C2H2 zinc finger domains including three highly conserved C2H2 double zinc finger domains and a single C2H2 zinc finger domain resulting to disruption of whole protein structure and function. In fact, this mutation is predicted to be responsible for the disease pathogenesis by either a truncated SALL4 protein affecting 7 functional C2H2 zinc finger domains or haploinsufficiency due to nonsense-mediated mRNA decay.

Literature cited by the submitters: DOI 10.1038/gim.2015.30.